The following is an entry in ClinVar:

ClinVar aggregate classification (germline): Uncertain significance (1 of 4 stars; one submission).

Submission:

Ambry Genetics
Classification: Uncertain significance. Last evaluated: 2024-04-20. Review status: criteria provided, single submitter. Criteria: Ambry Variant Classification Scheme 2023. Collection method: clinical testing. Allele origin: germline.
Comment: The p.G1265S variant (also known as c.3793G>A), located in coding exon 4 of the ALPK2 gene, results from a G to A substitution at nucleotide position 3793. The glycine at codon 1265 is replaced by serine, an amino acid with similar properties. This amino acid position is conserved. In addition, this alteration is predicted to be tolerated by in silico analysis. Since supporting evidence is limited at this time, the clinical significance of this alteration remains unclear.

NM_052947.4(ALPK2):c.3793G>A (p.Gly1265Ser)

Genes: ALPK2 (alpha kinase 2; minus strand), LOC126862764 (BRD4-independent group 4 enhancer GRCh37_chr18:56202574-56203773; plus strand). Cytogenetic location: 18q21.31.
Variant type: single nucleotide variant.
Coding change: c.3793G>A on transcript NM_052947.4 (MANE Select); coding-DNA position 3793, G replaced by A.
Protein change: p.Gly1265Ser; replaces glycine 1265 with serine.
Molecular consequence: missense variant.
Genome position (GRCh38, 1-based): chr18:58,536,394, C>T on the plus strand (G>A on the coding strand, the complement: ALPK2 is on the minus strand). VCF-style: chr18-58536394-C-T. GRCh37 (hg19) VCF-style: chr18-56203626-C-T.
Other names: short protein forms G1265S.
Identifiers: ClinVar variation 1734966 (VCV001734966.3), dbSNP rs2518875928, ClinGen allele CA402565599.